The following is an entry in ClinVar:

ClinVar aggregate classification (germline): Pathogenic (1 of 4 stars; one submission).

Allele frequency attached by ClinVar (database versions not stated): gnomAD exomes below 0.00001; ExAC 0.00002.
gnomAD v4.1: 3 of 1,547,900 alleles (0.00019%); highest among the groups gnomAD compares: South Asian, 0.0013%; no homozygotes.

Submission:

Labcorp Genetics (formerly Invitae), Labcorp
Classification: Pathogenic. Last evaluated: 2023-04-20. Review status: criteria provided, single submitter. Criteria: Invitae Variant Classification Sherloc (09022015). Collection method: clinical testing. Allele origin: germline.
Comment: This sequence change creates a premature translational stop signal (p.Gln296*) in the IFT81 gene. It is expected to result in an absent or disrupted protein product. Loss-of-function variants in IFT81 are known to be pathogenic (PMID: 26275418, 27666822). The frequency data for this variant in the population databases is considered unreliable, as metrics indicate poor data quality at this position in the gnomAD database. This variant has not been reported in the literature in individuals affected with IFT81-related conditions. Algorithms developed to predict the effect of sequence changes on RNA splicing suggest that this variant may disrupt the consensus splice site. For these reasons, this variant has been classified as Pathogenic.

Literature cited by the submitters: PubMed 26275418; PubMed 27666822.

NM_014055.4(IFT81):c.886C>T (p.Gln296Ter)

Gene: IFT81 (intraflagellar transport 81; plus strand). Cytogenetic location: 12q24.11.
Variant type: single nucleotide variant.
Coding change: c.886C>T on transcript NM_014055.4 (MANE Select); coding-DNA position 886, C replaced by T.
Protein change: p.Gln296Ter; replaces glutamine 296 with a stop codon.
Molecular consequence: nonsense. On other transcripts: non-coding transcript variant (3), intron variant (2).
Genome position (GRCh38, 1-based): chr12:110,143,486, C>T. VCF-style: chr12-110143486-C-T. GRCh37 (hg19) VCF-style: chr12-110581291-C-T.
Other names: c.886C>T, p.Gln296Ter (NM_001143779.2, NM_001347946.2, NM_031473.4); c.16-3467C>T (NM_001347948.2, NM_001347947.2); short protein forms Q296*.
Identifiers: ClinVar variation 2956595 (VCV002956595.3), dbSNP rs768675931, ClinGen allele CA6783204.